The following is an entry in ClinVar:

ClinVar aggregate classification (germline): Uncertain significance. Review status: criteria provided, multiple submitters, no conflicts (2 of 4 stars). 2 submissions from 2 submitters: Uncertain significance (2). Last evaluated 2023-12-12.

Conditions:
Inborn genetic diseases. Identifiers: MedGen C0950123, MeSH D030342.

Allele frequency attached by ClinVar (database versions not stated): TOPMed below 0.00001.
gnomAD v4.1: 2 of 1,612,514 alleles (0.00012%); highest among the groups gnomAD compares: Non-Finnish European, 0.00017%; no homozygotes.

Submissions (2):

Ambry Genetics
Classification: Uncertain significance for Inborn genetic diseases. Last evaluated: 2023-12-12. Review status: criteria provided, single submitter. Criteria: Ambry Variant Classification Scheme 2023. Collection method: clinical testing. Allele origin: germline.

GeneDx
Classification: Uncertain significance. Last evaluated: 2023-12-08. Review status: criteria provided, single submitter. Criteria: GeneDx Variant Classification Process June 2021. Collection method: clinical testing. Allele origin: germline. Affected: yes.
Comment: Not observed at significant frequency in large population cohorts (gnomAD); In silico analysis supports that this missense variant has a deleterious effect on protein structure/function; Has not been previously published as pathogenic or benign to our knowledge

NM_133259.4(LRPPRC):c.692C>G (p.Thr231Arg)

Gene: LRPPRC (leucine rich pentatricopeptide repeat containing; minus strand). Cytogenetic location: 2p21.
Variant type: single nucleotide variant.
Coding change: c.692C>G on transcript NM_133259.4 (MANE Select); coding-DNA position 692, C replaced by G.
Protein change: p.Thr231Arg; replaces threonine 231 with arginine.
Molecular consequence: missense variant.
Genome position (GRCh38, 1-based): chr2:43,976,188, G>C on the plus strand (C>G on the coding strand, the complement: LRPPRC is on the minus strand). VCF-style: chr2-43976188-G-C. GRCh37 (hg19) VCF-style: chr2-44203327-G-C.
Other names: short protein forms T231R.
Identifiers: ClinVar variation 3120368 (VCV003120368.2), dbSNP rs1674046499, ClinGen allele CA346675264.